The following is an entry in ClinVar:

NM_017934.7(PHIP):c.40+1del

Genes: PHIP (PHIP subunit of CUL4-Ring ligase complex; minus strand), LOC129996745 (ATAC-STARR-seq lymphoblastoid silent region 17346; plus strand). Cytogenetic location: 6q14.1.
Variant type: Deletion.
Coding change: c.40+1del on transcript NM_017934.7 (MANE Select); the canonical splice donor site of the intron after coding-DNA position 40, one base deleted (G; older notation c.40+1delG).
Molecular consequence: splice donor variant.
Genome position (GRCh38, 1-based): chr6:79,078,028, C deleted on the plus strand (G on the coding strand, the reverse complement: PHIP is on the minus strand); the first of 3 consecutive C bases (chr6:79,078,028-79,078,030); deleting any one gives the same sequence. VCF-style (leftmost placement, unchanged base first): chr6-79078027-AC-A. GRCh37 (hg19) VCF-style: chr6-79787744-AC-A.
Other names: c.40+1delG (NM_017934.6).
Identifiers: ClinVar variation 2124183 (VCV002124183.5), dbSNP rs2482428927, ClinGen allele CA2580075882.

ClinVar aggregate classification (germline): Pathogenic/Likely pathogenic. Review status: criteria provided, multiple submitters, no conflicts (2 of 4 stars). 2 submissions from 2 submitters: Pathogenic (1); Likely pathogenic (1). Last evaluated 2023-03-24.

Conditions:
PHIP-related disorder. Also called: PHIP-related disorders; PHIP-related condition.

Submissions (2):

PreventionGenetics, part of Exact Sciences
Classification: Likely pathogenic for PHIP-related condition. Last evaluated: 2023-03-24. Review status: criteria provided, single submitter. Criteria: ACMG Guidelines, 2015. Collection method: clinical testing. Allele origin: germline.
Comment: The PHIP c.40+1delG variant is predicted to result in a deletion affecting a canonical splice site. To our knowledge, this variant has not been reported in the literature, however it is listed in ClinVar as pathogenic. This variant has not been reported in a large population database, indicating this variant is rare. De novo loss of function variants are expected to be pathogenic (see, for example, Webster et al. 2016. PubMed ID: 27900362; OMIM: #617991). This variant is interpreted as likely pathogenic.

Labcorp Genetics (formerly Invitae), Labcorp
Classification: Pathogenic. Last evaluated: 2022-04-10. Review status: criteria provided, single submitter. Criteria: Invitae Variant Classification Sherloc (09022015). Collection method: clinical testing. Allele origin: germline.
Comment: For these reasons, this variant has been classified as Pathogenic. Algorithms developed to predict the effect of sequence changes on RNA splicing suggest that this variant may disrupt the consensus splice site. This variant is also known as c.40+1del. This variant has not been reported in the literature in individuals affected with PHIP-related conditions. This variant is not present in population databases (gnomAD no frequency). This sequence change creates a premature translational stop signal (p.Glu14Serfs*22) in the PHIP gene. It is expected to result in an absent or disrupted protein product. Loss-of-function variants in PHIP are known to be pathogenic (PMID: 27900362).

Literature cited by the submitters: PubMed 27900362 (cited by Labcorp Genetics (formerly Invitae), Labcorp).